The following is an entry in ClinVar:

NM_001393982.1(ANKRD36C):c.4746A>G (p.Leu1582=)

Gene: ANKRD36C (ankyrin repeat domain 36C; minus strand). Cytogenetic location: 2q11.1.
Variant type: single nucleotide variant.
Coding change: c.4746A>G on transcript NM_001393982.1 (MANE Select); coding-DNA position 4746, A replaced by G.
Protein change: p.Leu1582=; no amino-acid change (leucine 1582 retained).
Molecular consequence: synonymous variant.
Genome position (GRCh38, 1-based): chr2:95,860,034, T>C on the plus strand (A>G on the coding strand, the complement: ANKRD36C is on the minus strand). VCF-style: chr2-95860034-T-C. GRCh37 (hg19) VCF-style: chr2-96525782-T-C.
Other names: c.4821A>G, p.Leu1607= (NM_001310154.3).
Identifiers: ClinVar variation 4280775 (VCV004280775.7).

ClinVar aggregate classification (germline): Likely benign (1 of 4 stars; one submission).

gnomAD v4.1: 596 of 1,545,816 alleles (0.039%); highest among the groups gnomAD compares: African/African-American, 0.62%; 8 homozygotes.

Submission:

CeGaT Center for Human Genetics Tuebingen
Classification: Likely benign. Last evaluated: 2026-05-01. Review status: criteria provided, single submitter. Criteria: CeGaT Center For Human Genetics Tuebingen Variant Classification Criteria Version 2. Collection method: clinical testing. Allele origin: germline. Affected: yes. Observed: 4 variant alleles.
Comment: ANKRD36C: BP4, BP7